The following is an entry in ClinVar:

ClinVar aggregate classification (germline): Conflicting classifications of pathogenicity. Review status: criteria provided, conflicting classifications (1 of 4 stars). 2 submissions from 2 submitters: Uncertain significance (1); Likely benign (1). Last evaluated 2023-02-23.

Conditions:
Hereditary diffuse gastric adenocarcinoma (HDGC). Also called: DIFFUSE GASTRIC AND LOBULAR BREAST CANCER SYNDROME. Identifiers: Orphanet 26106, MedGen C1708349, MONDO:0007648, OMIM 137215.
Hereditary cancer-predisposing syndrome. Also called: Tumor predisposition; Neoplastic Syndromes, Hereditary; Hereditary Cancer Syndrome; Hereditary neoplastic syndrome. Identifiers: Orphanet 140162, MedGen C0027672, MeSH D009386, MONDO:0015356.

Submissions (2):

Labcorp Genetics (formerly Invitae), Labcorp
Classification: Uncertain significance for Hereditary diffuse gastric adenocarcinoma. Last evaluated: 2023-02-23. Review status: criteria provided, single submitter. Criteria: Invitae Variant Classification Sherloc (09022015). Collection method: clinical testing. Allele origin: germline.
Comment: In summary, the available evidence is currently insufficient to determine the role of this variant in disease. Therefore, it has been classified as a Variant of Uncertain Significance. Algorithms developed to predict the effect of sequence changes on RNA splicing suggest that this variant may create or strengthen a splice site. ClinVar contains an entry for this variant (Variation ID: 1771811). This variant has not been reported in the literature in individuals affected with CDH1-related conditions. This variant is not present in population databases (gnomAD no frequency). This sequence change affects codon 467 of the CDH1 mRNA. It is a 'silent' change, meaning that it does not change the encoded amino acid sequence of the CDH1 protein.

Ambry Genetics
Classification: Likely benign for Hereditary cancer-predisposing syndrome. Last evaluated: 2021-10-06. Review status: criteria provided, single submitter. Criteria: Ambry Variant Classification Scheme 2023. Collection method: clinical testing. Allele origin: germline.

NM_004360.5(CDH1):c.1401C>T (p.Thr467=)

Gene: CDH1 (cadherin 1; plus strand). Cytogenetic location: 16q22.1.
Variant type: single nucleotide variant.
Coding change: c.1401C>T on transcript NM_004360.5 (MANE Select); coding-DNA position 1401, C replaced by T.
Protein change: p.Thr467=; no amino-acid change (threonine 467 retained).
Molecular consequence: synonymous variant. On other transcripts: 5 prime UTR variant (2).
Genome position (GRCh38, 1-based): chr16:68,815,595, C>T. VCF-style: chr16-68815595-C-T. GRCh37 (hg19) VCF-style: chr16-68849498-C-T.
Other names: c.1218C>T, p.Thr406= (NM_001317184.2); c.-148C>T (NM_001317185.2); c.-419C>T (NM_001317186.2).
Identifiers: ClinVar variation 1771811 (VCV001771811.5), dbSNP rs1057523832, ClinGen allele CA496153962.